The following is an entry in ClinVar:

NM_001228.5(CASP8):c.-26-8200T>G

Genes: CASP8 (caspase 8; plus strand), LOC128772255 (melanoma risk locus-associated MPRA allelic enhancer 2:202122995; plus strand). Cytogenetic location: 2q33.1.
Variant type: single nucleotide variant.
Coding change: c.-26-8200T>G on transcript NM_001228.5; 8200 bases into the intron before 26 bases upstream of the start codon, T replaced by G.
Molecular consequence: intron variant. On other transcripts: synonymous variant (3), 5 prime UTR variant (4), non-coding transcript variant (4).
Genome position (GRCh38, 1-based): chr2:201,258,261, T>G. VCF-style: chr2-201258261-T-G. GRCh37 (hg19) VCF-style: chr2-202122984-T-G.
Other names: c.30T>G, p.Val10= (NM_001080125.2, NM_001400642.1, NM_001400665.1); c.-122T>G (NM_001400655.1, NM_001400662.1); c.-654T>G (NM_001400750.1, NM_001400751.1); c.-26-8200T>G (NM_001400651.1, NM_001400663.1, NM_001400648.1 and 2 more transcripts); c.1-8226T>G (NM_001400657.1, NM_001400660.1, NM_033355.4 and 1 more transcripts); c.-532-8226T>G (NM_001400677.1); c.-4-13255T>G (NM_001400669.1); c.-637-8200T>G (NM_001400680.1); and 3 more.
Identifiers: ClinVar variation 2651816 (VCV002651816.22), dbSNP rs2469748489, ClinGen allele CA430620050.

ClinVar aggregate classification (germline): Likely benign (1 of 4 stars; one submission).

Submission:

CeGaT Center for Human Genetics Tuebingen
Classification: Likely benign. Last evaluated: 2023-03-01. Review status: criteria provided, single submitter. Criteria: CeGaT Center For Human Genetics Tuebingen Variant Classification Criteria Version 2. Collection method: clinical testing. Allele origin: germline. Affected: yes. Observed: 1 variant allele.
Comment: CASP8: PM2:Supporting, BP4, BP7